The following is an entry in ClinVar:

NM_001110556.2(FLNA):c.5425C>T (p.Arg1809Trp)

Gene: FLNA (filamin A; minus strand). Cytogenetic location: Xq28.
Variant type: single nucleotide variant.
Coding change: c.5425C>T on transcript NM_001110556.2 (MANE Select); coding-DNA position 5425, C replaced by T.
Protein change: p.Arg1809Trp; replaces arginine 1809 with tryptophan.
Molecular consequence: missense variant.
Genome position (GRCh38, 1-based): chrX:154,354,283, G>A on the plus strand (C>T on the coding strand, the complement: FLNA is on the minus strand). VCF-style: chrX-154354283-G-A. GRCh37 (hg19) VCF-style: chrX-153582651-G-A.
Other names: p.Arg1801Trp; c.5401C>T, p.Arg1801Trp (NM_001456.4); short protein forms R1801W, R1809W.
Identifiers: ClinVar variation 3380759 (VCV003380759.4).
Genomic context (GRCh38, chrX:154,354,283, plus strand): 5'-TCACGGTGCCGTCTTTGTTGTCAGTGATGGTGGGCTGCGCCACCTTGCCTGAGGGCATCC[G>A]AACCTCCCCTGTGGGGCAGTGGGGCTGAGGTCAGGGCAGCTCATTGGCACAGTCTGGCCT-3'
Protein context (NP_001104026.1, residues 1799-1819): IKKGEITGEV[Arg1809Trp]MPSGKVAQPT

ClinVar aggregate classification (germline): Uncertain significance. Review status: criteria provided, multiple submitters, no conflicts (2 of 4 stars). 3 submissions from 3 submitters: Uncertain significance (3). Last evaluated 2026-04-20.

Conditions:
Intestinal pseudoobstruction, neuronal, chronic idiopathic, X-linked (CIIPX). Also called: CONGENITAL IDIOPATHIC INTESTINAL PSEUDOOBSTRUCTION; INTESTINAL PSEUDOOBSTRUCTION, NEURONAL, CHRONIC IDIOPATHIC, WITH CENTRAL NERVOUS SYSTEM INVOLVEMENT; FLNA-Related Periventricular Nodular Heterotopia (FLNA-Related PVNH; Huttenlocher Syndrome). Identifiers: Orphanet 2301, MedGen C2746068, MONDO:0010232, OMIM 300048.
Cardiac valvular dysplasia, X-linked (CVDPX). Also called: FLNA-Related X-linked Cardiac Valvular Dysplasia; Congenital valvular dysplasia; Isolated X-Linked Cardiac Valvular Dysplasia; MYXOMATOUS VALVULAR DYSTROPHY, X-LINKED; VALVULAR HEART DISEASE, CONGENITAL. Identifiers: Orphanet 1864, Orphanet 555877, Orphanet 75497, MedGen C0262436, MONDO:0010753, OMIM 314400.
FG syndrome 2 (FGS2). Identifiers: MedGen C1845902, MONDO:0010297, OMIM 300321.
Oto-palato-digital syndrome, type I (OPD1). Also called: Otopalatodigital Syndrome Type 1 (FLNA-OPD1); OPD I SYNDROME; OPD SYNDROME 1; Taybi syndrome; Otopalatodigital Syndrome, Type I. Identifiers: Orphanet 669, Orphanet 90650, MedGen C0265251, MONDO:0010704, OMIM 311300.
Oto-palato-digital syndrome, type II (OPD2). Also called: FACIOPALATOOSSEOUS SYNDROME; Otopalatodigital Syndrome Type 2 (FLNA-OPD2); OPD II SYNDROME; Otopalatodigital Syndrome, Type II. Identifiers: Orphanet 669, Orphanet 90652, MedGen C1844696, MONDO:0010571, OMIM 304120.
Heterotopia, periventricular, X-linked dominant (PVNH1). Also called: PERIVENTRICULAR NODULAR HETEROTOPIA 1; X-linked periventricular heterotopia; PERIVENTRICULAR NODULAR HETEROTOPIA 4; HETEROTOPIA, PERIVENTRICULAR, 1. Identifiers: Orphanet 2149, Orphanet 82004, MedGen C1848213, MONDO:0010233, OMIM 300049.
Terminal osseous dysplasia-pigmentary defects syndrome. Also called: ODPD; TERMINAL OSSEOUS DYSPLASIA AND PIGMENTARY DEFECTS; Terminal Osseous Dysplasia (FLNA-TOD); ODPF SYNDROME; OSSEOUS DYSPLASIA, DIGITAL, WITH FACIAL PIGMENTARY DEFECTS AND MULTIPLE FRENULA. Identifiers: Orphanet 88630, MedGen C1846129, MONDO:0010279, OMIM 300244.
Melnick-Needles syndrome (MNS). Also called: Melnick-Needles Syndrome (FLNA-MNS); MELNICK-NEEDLES OSTEODYSPLASTY; OSTEODYSPLASTY OF MELNICK AND NEEDLES. Identifiers: Orphanet 2484, MedGen C0025237, MONDO:0010650, OMIM 309350.
Frontometaphyseal dysplasia 1 (FMD1). Also called: Frontometaphyseal Dysplasia (FLNA-FMD). Identifiers: Orphanet 1826, MedGen C4281559, MONDO:0024550, OMIM 305620.
Familial thoracic aortic aneurysm and aortic dissection (TAAD). Also called: Thoracic aortic aneurysms and dissections. Identifiers: Orphanet 91387, MedGen C4707243, MONDO:0019625.

gnomAD v4.1: 4 of 1,211,905 alleles (0.00033%); highest among the groups gnomAD compares: Admixed American, 0.0022%; no homozygotes.

Submissions (3):

Ambry Genetics
Classification: Uncertain significance for Familial thoracic aortic aneurysm and aortic dissection. Last evaluated: 2026-04-20. Review status: criteria provided, single submitter. Criteria: Ambry Variant Classification Scheme 2023. Collection method: clinical testing. Allele origin: germline.

Mayo Clinic Laboratories, Mayo Clinic
Classification: Uncertain significance. Last evaluated: 2024-06-19. Review status: criteria provided, single submitter. Criteria: ACMG Guidelines, 2015. Collection method: clinical testing. Allele origin: germline. Observed: 2 variant alleles.
Comment: PP2, PP3, PM1_supporting, PM2

Juno Genomics, Hangzhou Juno Genomics, Inc
Classification: Uncertain significance for Heterotopia, periventricular, X-linked dominant; Terminal osseous dysplasia-pigmentary defects syndrome; FG syndrome 2; Cardiac valvular dysplasia, X-linked; Intestinal pseudoobstruction, neuronal, chronic idiopathic, X-linked; Frontometaphyseal dysplasia 1; Melnick-Needles syndrome; Oto-palato-digital syndrome, type I; Oto-palato-digital syndrome, type II. Review status: criteria provided, single submitter. Criteria: ACMG Guidelines, 2015. Collection method: clinical testing. Allele origin: germline.
Comment: Absent from controls (or at extremely low frequency if recessive) in Genome Aggregation Database.;Multiple lines of computational evidence support a deleterious effect on the gene or gene product.